The following is an entry in ClinVar:

NM_000094.4(COL7A1):c.7187T>C (p.Leu2396Pro)

Gene: COL7A1 (collagen type VII alpha 1 chain; minus strand). Cytogenetic location: 3p21.31.
Variant type: single nucleotide variant.
Coding change: c.7187T>C on transcript NM_000094.4 (MANE Select); coding-DNA position 7187, T replaced by C.
Protein change: p.Leu2396Pro; replaces leucine 2396 with proline.
Molecular consequence: missense variant.
Genome position (GRCh38, 1-based): chr3:48,570,946, A>G on the plus strand (T>C on the coding strand, the complement: COL7A1 is on the minus strand). VCF-style: chr3-48570946-A-G. GRCh37 (hg19) VCF-style: chr3-48608379-A-G.
Other names: short protein forms L2396P.
Identifiers: ClinVar variation 4697554 (VCV004697554.2).
Genomic context (GRCh38, chr3:48,570,946, plus strand): 5'-CCCATCTCTCCTCGAGGGCCTGTCTGACCCGGGAACCCAACAACACCAGGAGCACCGGGC[A>G]GGCCAGGGAGGCCCAGATCTCCCTGAAATAAAAACAGCAAAGGGAGGGAATGGTCAATGC-3'
Protein context (NP_000085.1, residues 2386-2406): GVKGDLGLPG[Leu2396Pro]PGAPGVVGFP

ClinVar aggregate classification (germline): Conflicting classifications of pathogenicity. Review status: criteria provided, conflicting classifications (1 of 4 stars). 2 submissions from 2 submitters: Uncertain significance (1); Likely benign (1). Last evaluated 2026-05-26.

Conditions:
Inborn genetic diseases. Identifiers: MedGen C0950123, MeSH D030342.

gnomAD v4.1: 2 of 1,613,658 alleles (0.00012%); highest among the groups gnomAD compares: Non-Finnish European, 0.00017%; no homozygotes.

Submissions (2):

Ambry Genetics
Classification: Likely benign for Inborn genetic diseases. Last evaluated: 2026-05-26. Review status: criteria provided, single submitter. Criteria: Ambry Variant Classification Scheme 2023. Collection method: clinical testing. Allele origin: germline.

Labcorp Genetics (formerly Invitae), Labcorp
Classification: Uncertain significance. Last evaluated: 2025-08-25. Review status: criteria provided, single submitter. Criteria: Invitae Variant Classification Sherloc (09022015). Collection method: clinical testing. Allele origin: germline.
Comment: This sequence change replaces leucine, which is neutral and non-polar, with proline, which is neutral and non-polar, at codon 2396 of the COL7A1 protein (p.Leu2396Pro). This variant is present in population databases (no rsID available, gnomAD 0.0009%). This variant has not been reported in the literature in individuals affected with COL7A1-related conditions. Invitae Evidence Modeling of protein sequence and biophysical properties (such as structural, functional, and spatial information, amino acid conservation, physicochemical variation, residue mobility, and thermodynamic stability) indicates that this missense variant is not expected to disrupt COL7A1 protein function with a negative predictive value of 95%. In summary, the available evidence is currently insufficient to determine the role of this variant in disease. Therefore, it has been classified as a Variant of Uncertain Significance.